The following is an entry in ClinVar:

ClinVar aggregate classification (germline): Likely benign (0 of 4 stars; one submission).

Conditions:
BBS4-related disorder. Also called: BBS4-related condition.

Submission:

PreventionGenetics, part of Exact Sciences
Classification: Likely benign for BBS4-related condition. Last evaluated: 2021-10-06. Review status: no assertion criteria provided. Collection method: clinical testing. Allele origin: germline.
Comment: This variant is classified as likely benign based on ACMG/AMP sequence variant interpretation guidelines (Richards et al. 2015 PMID: 25741868, with internal and published modifications).

NM_033028.5(BBS4):c.1053G>A (p.Leu351=)

Gene: BBS4 (Bardet-Biedl syndrome 4; plus strand). Cytogenetic location: 15q24.1.
Variant type: single nucleotide variant.
Coding change: c.1053G>A on transcript NM_033028.5 (MANE Select); coding-DNA position 1053, G replaced by A.
Protein change: p.Leu351=; no amino-acid change (leucine 351 retained).
Molecular consequence: synonymous variant. On other transcripts: non-coding transcript variant (2).
Genome position (GRCh38, 1-based): chr15:72,735,129, G>A. VCF-style: chr15-72735129-G-A. GRCh37 (hg19) VCF-style: chr15-73027470-G-A.
Other names: c.537G>A, p.Leu179= (NM_001252678.2); c.984G>A, p.Leu328= (NM_001320665.2).
Identifiers: ClinVar variation 3056121 (VCV003056121.2), dbSNP rs901444691, ClinGen allele CA491119729.